The following is an entry in ClinVar:

ClinVar aggregate classification (germline): Pathogenic (1 of 4 stars; one submission).

Conditions:
BCS1L-related disorder. Also called: BCS1L-related condition; BCS1L-related disorders. Identifiers: MedGen CN239240.

Submission:

Daryl Scott Lab, Baylor College of Medicine
Classification: Pathogenic for BCS1L-related disorder. Last evaluated: 2024-01-01. Review status: criteria provided, single submitter. Criteria: ACMG Guidelines, 2015. Collection method: clinical testing. Allele origin: maternal. Observed: 1 heterozygote.
Comment: PVS1, PM2

NM_001079866.2(BCS1L):c.899del (p.Lys300fs)

Gene: BCS1L (BCS1 ubiquinol-cytochrome c reductase complex chaperone; plus strand). Cytogenetic location: 2q35.
Variant type: Deletion.
Coding change: c.899del on transcript NM_001079866.2 (MANE Select); coding-DNA position 899, one base deleted (A; older notation c.899delA).
Protein change: p.Lys300fs; shifts the reading frame from lysine 300.
Molecular consequence: frameshift variant. On other transcripts: non-coding transcript variant (1).
Genome position (GRCh38, 1-based): chr2:218,662,892, A deleted; the last of 3 consecutive A bases (chr2:218,662,890-218,662,892); deleting any one gives the same sequence. VCF-style (leftmost placement, unchanged base first): chr2-218662889-TA-T. GRCh37 (hg19) VCF-style: chr2-219527612-TA-T.
Other names: c.899del, p.Lys300fs (NM_001257342.2, NM_001257343.2, NM_001257344.2 and 10 more transcripts); c.539del, p.Lys180fs (NM_001318836.2, NM_001371451.1); c.398del, p.Lys133fs (NM_001371452.1, NM_001371453.1, NM_001371454.1 and 3 more transcripts); short protein forms K133fs, K180fs, K300fs.
Identifiers: ClinVar variation 3764570 (VCV003764570.1).